The following is an entry in ClinVar:

ClinVar aggregate classification (germline): Likely benign (0 of 4 stars; one submission).

Conditions:
PHIP-related disorder. Also called: PHIP-related condition; PHIP-related disorders.

gnomAD v4.1: 5 of 1,608,790 alleles (0.00031%); highest among the groups gnomAD compares: Non-Finnish European, 0.00043%; no homozygotes.

Submission:

PreventionGenetics, part of Exact Sciences
Classification: Likely benign for PHIP-related condition. Last evaluated: 2024-01-18. Review status: no assertion criteria provided. Collection method: clinical testing. Allele origin: germline.
Comment: This variant is classified as likely benign based on ACMG/AMP sequence variant interpretation guidelines (Richards et al. 2015 PMID: 25741868, with internal and published modifications).

NM_017934.7(PHIP):c.1524+3A>G

Gene: PHIP (PHIP subunit of CUL4-Ring ligase complex; minus strand). Cytogenetic location: 6q14.1.
Variant type: single nucleotide variant.
Coding change: c.1524+3A>G on transcript NM_017934.7 (MANE Select); 3 bases into the intron after coding-DNA position 1524, A replaced by G.
Molecular consequence: intron variant.
Genome position (GRCh38, 1-based): chr6:79,015,079, T>C on the plus strand (A>G on the coding strand, the complement: PHIP is on the minus strand). VCF-style: chr6-79015079-T-C. GRCh37 (hg19) VCF-style: chr6-79724796-T-C.
Identifiers: ClinVar variation 3349450 (VCV003349450.1).
Genomic context (GRCh38, chr6:79,015,079, plus strand): 5'-AGTACCTTTGTCAAAAAGCTCCCAAATCTTTAGTAGGTATAAAATGAAGAGAATGATAAT[T>C]ACCATATTGAAATAAGATCGTATTTTGACTCCTCTTGCCAGATCCCACACTATCACGTTT-3'